The following is an entry in ClinVar:

ClinVar aggregate classification (germline): Benign/Likely benign. Review status: criteria provided, multiple submitters, no conflicts (2 of 4 stars). 4 submissions from 4 submitters: Benign (2); Likely benign (1). 1 of the submissions does not count toward it. Last evaluated 2026-03-01.

Conditions:
KIF23-related disorder. Also called: KIF23-related condition.

Allele frequency attached by ClinVar (database versions not stated): ESP Exome Variant Server 0.00015; gnomAD 0.00033 and 0.00064; TOPMed 0.00038; gnomAD exomes 0.00079 and 0.00153; ExAC 0.00149; 1000 Genomes Project 0.00280; 1000 Genomes Project 30x 0.00344.

Submissions (4):

CeGaT Center for Human Genetics Tuebingen
Classification: Likely benign. Last evaluated: 2026-03-01. Review status: criteria provided, single submitter. Criteria: CeGaT Center For Human Genetics Tuebingen Variant Classification Criteria Version 2. Collection method: clinical testing. Allele origin: germline. Affected: yes. Observed: 4 variant alleles.
Comment: KIF23: BP4, BS2

Labcorp Genetics (formerly Invitae), Labcorp
Classification: Benign. Last evaluated: 2025-11-25. Review status: criteria provided, single submitter. Criteria: Invitae Variant Classification Sherloc (09022015). Collection method: clinical testing. Allele origin: germline.

Breakthrough Genomics
Classification: Benign. Review status: criteria provided, single submitter. Criteria: ACMG Guidelines, 2015. Collection method: not provided. Allele origin: germline. Inheritance: Autosomal dominant inheritance. Affected: yes.

PreventionGenetics, part of Exact Sciences
Classification: Likely benign for KIF23-related condition. Last evaluated: 2019-03-28. Review status: no assertion criteria provided. Collection method: clinical testing. Allele origin: germline. Not counted in ClinVar's aggregate classification.
Comment: This variant is classified as likely benign based on ACMG/AMP sequence variant interpretation guidelines (Richards et al. 2015 PMID: 25741868, with internal and published modifications).

NM_001367805.3(KIF23):c.143A>G (p.Asn48Ser)

Gene: KIF23 (kinesin family member 23; plus strand). Cytogenetic location: 15q23.
Variant type: single nucleotide variant.
Coding change: c.143A>G on transcript NM_001367805.3 (MANE Select); coding-DNA position 143, A replaced by G.
Protein change: p.Asn48Ser; replaces asparagine 48 with serine.
Molecular consequence: missense variant. On other transcripts: 5 prime UTR variant (1), non-coding transcript variant (2).
Genome position (GRCh38, 1-based): chr15:69,417,444, A>G. VCF-style: chr15-69417444-A-G. GRCh37 (hg19) VCF-style: chr15-69709783-A-G.
Other names: c.-51A>G (NM_001281301.2); c.143A>G, p.Asn48Ser (NM_001367804.2, NM_004856.7, NM_138555.4); short protein forms N48S.
Identifiers: ClinVar variation 720141 (VCV000720141.34), dbSNP rs192879947, ClinGen allele CA7634815.